The following is an entry in ClinVar:

NM_022124.6(CDH23):c.9856C>G (p.His3286Asp)

Gene: CDH23 (cadherin related 23; plus strand). Cytogenetic location: 10q22.1.
Variant type: single nucleotide variant.
Coding change: c.9856C>G on transcript NM_022124.6 (MANE Select); coding-DNA position 9856, C replaced by G.
Protein change: p.His3286Asp; replaces histidine 3286 with aspartic acid.
Molecular consequence: missense variant.
Genome position (GRCh38, 1-based): chr10:71,815,069, C>G. VCF-style: chr10-71815069-C-G. GRCh37 (hg19) VCF-style: chr10-73574826-C-G.
Other names: c.3136C>G, p.His1046Asp (NM_001171933.1); c.3031C>G, p.His1011Asp (NM_001171934.1); c.547C>G, p.His183Asp (NM_001171935.1); c.442C>G, p.His148Asp (NM_001171936.1); short protein forms H1011D, H148D, H183D, H1046D, H3286D.
Identifiers: ClinVar variation 960909 (VCV000960909.9), dbSNP rs1286813399, ClinGen allele CA377138269.

ClinVar aggregate classification (germline): Uncertain significance (1 of 4 stars; one submission).

Allele frequency attached by ClinVar (database versions not stated): TOPMed below 0.00001; gnomAD 0.00001.
gnomAD v4.1: 1 of 1,611,602 alleles (0.000062%); highest among the groups gnomAD compares: East Asian, 0.0022%; no homozygotes.

Submission:

Labcorp Genetics (formerly Invitae), Labcorp
Classification: Uncertain significance. Last evaluated: 2024-02-24. Review status: criteria provided, single submitter. Criteria: Invitae Variant Classification Sherloc (09022015). Collection method: clinical testing. Allele origin: germline.
Comment: This sequence change replaces histidine, which is basic and polar, with aspartic acid, which is acidic and polar, at codon 3286 of the CDH23 protein (p.His3286Asp). This variant is not present in population databases (gnomAD no frequency). This missense change has been observed in individual(s) with clinical features of Usher syndrome (PMID: 32911884). ClinVar contains an entry for this variant (Variation ID: 960909). Advanced modeling of protein sequence and biophysical properties (such as structural, functional, and spatial information, amino acid conservation, physicochemical variation, residue mobility, and thermodynamic stability) performed at Invitae indicates that this missense variant is not expected to disrupt CDH23 protein function with a negative predictive value of 95%. In summary, the available evidence is currently insufficient to determine the role of this variant in disease. Therefore, it has been classified as a Variant of Uncertain Significance.

Literature cited by the submitters: PubMed 32911884.